The following is an entry in ClinVar:

NM_001621.5(AHR):c.2312T>C (p.Met771Thr)

Gene: AHR (aryl hydrocarbon receptor; plus strand). Cytogenetic location: 7p21.1.
Variant type: single nucleotide variant.
Coding change: c.2312T>C on transcript NM_001621.5 (MANE Select); coding-DNA position 2312, T replaced by C.
Protein change: p.Met771Thr; replaces methionine 771 with threonine.
Molecular consequence: missense variant.
Genome position (GRCh38, 1-based): chr7:17,340,137, T>C. VCF-style: chr7-17340137-T-C. GRCh37 (hg19) VCF-style: chr7-17379761-T-C.
Other names: c.2312T>C (NM_001621.4); short protein forms M771T.
Identifiers: ClinVar variation 2147611 (VCV002147611.3), dbSNP rs751357516, ClinGen allele CA4172262.

ClinVar aggregate classification (germline): Uncertain significance. Review status: criteria provided, multiple submitters, no conflicts (2 of 4 stars). 2 submissions from 2 submitters: Uncertain significance (2). Last evaluated 2024-01-30.

Allele frequency attached by ClinVar (database versions not stated): gnomAD 0.00001; TOPMed 0.00002; ExAC 0.00010.
gnomAD v4.1: 69 of 1,614,074 alleles (0.0043%); highest among the groups gnomAD compares: Non-Finnish European, 0.0057%; no homozygotes.

Submissions (2):

Ambry Genetics
Classification: Uncertain significance. Last evaluated: 2024-01-30. Review status: criteria provided, single submitter. Criteria: Ambry Variant Classification Scheme 2023. Collection method: clinical testing. Allele origin: germline.

Labcorp Genetics (formerly Invitae), Labcorp
Classification: Uncertain significance. Last evaluated: 2022-07-14. Review status: criteria provided, single submitter. Criteria: Invitae Variant Classification Sherloc (09022015). Collection method: clinical testing. Allele origin: germline.
Comment: In summary, the available evidence is currently insufficient to determine the role of this variant in disease. Therefore, it has been classified as a Variant of Uncertain Significance. Algorithms developed to predict the effect of missense changes on protein structure and function (SIFT, PolyPhen-2, Align-GVGD) all suggest that this variant is likely to be tolerated. This variant has not been reported in the literature in individuals affected with AHR-related conditions. This variant is present in population databases (rs751357516, gnomAD 0.01%). This sequence change replaces methionine, which is neutral and non-polar, with threonine, which is neutral and polar, at codon 771 of the AHR protein (p.Met771Thr).